The following is an entry in ClinVar:

NM_002739.5(PRKCG):c.1028C>T (p.Pro343Leu)

Gene: PRKCG (protein kinase C gamma; plus strand). Cytogenetic location: 19q13.42.
Variant type: single nucleotide variant.
Coding change: c.1028C>T on transcript NM_002739.5 (MANE Select); coding-DNA position 1028, C replaced by T.
Protein change: p.Pro343Leu; replaces proline 343 with leucine.
Molecular consequence: missense variant.
Genome position (GRCh38, 1-based): chr19:53,898,047, C>T. VCF-style: chr19-53898047-C-T. GRCh37 (hg19) VCF-style: chr19-54401301-C-T.
Other names: c.1028C>T, p.Pro343Leu (NM_001316329.2); short protein forms P343L.
Identifiers: ClinVar variation 4682231 (VCV004682231.1).

ClinVar aggregate classification (germline): Uncertain significance (1 of 4 stars; one submission).

gnomAD v4.1: 33 of 1,614,002 alleles (0.002%); highest among the groups gnomAD compares: Non-Finnish European, 0.0028%; no homozygotes.

Submission:

Athena Diagnostics
Classification: Uncertain significance. Last evaluated: 2025-02-21. Review status: criteria provided, single submitter. Criteria: Athena Diagnostics Criteria. Collection method: clinical testing. Allele origin: unknown.
Comment: Available data are insufficient to determine the clinical significance of the variant at this time. The frequency of this variant in the general population is uninformative in assessment of its pathogenicity. Polyphen and MutationTaster predict this amino acid change may be benign.